The following is an entry in ClinVar:

NM_000094.4(COL7A1):c.5000G>A (p.Gly1667Glu)

Gene: COL7A1 (collagen type VII alpha 1 chain; minus strand). Cytogenetic location: 3p21.31.
Variant type: single nucleotide variant.
Coding change: c.5000G>A on transcript NM_000094.4 (MANE Select); coding-DNA position 5000, G replaced by A.
Protein change: p.Gly1667Glu; replaces glycine 1667 with glutamic acid.
Molecular consequence: missense variant.
Genome position (GRCh38, 1-based): chr3:48,580,633, C>T on the plus strand (G>A on the coding strand, the complement: COL7A1 is on the minus strand). VCF-style: chr3-48580633-C-T. GRCh37 (hg19) VCF-style: chr3-48618066-C-T.
Other names: short protein forms G1667E.
Identifiers: ClinVar variation 219177 (VCV000219177.3), dbSNP rs864321654, ClinGen allele CA279919.
Genomic context (GRCh38, chr3:48,580,633, plus strand): 5'-GGACTCACATTTCGTCCATCCTCTCCAGGATCTCCCTGGTCTCCCTTTTCACCCACAGGC[C>T]CCCGAACTCCAGGTGCCCCCTAAGAAGAGCAGCTGGCCTGAGACAGACCCTCCCAATATT-3'
Protein context (NP_000085.1, residues 1657-1677): RGLRGAPGVR[Gly1667Glu]PVGEKGDQGD

ClinVar aggregate classification (germline): Uncertain significance (1 of 4 stars; one submission).

Conditions:
Recessive dystrophic epidermolysis bullosa (RDEB). Also called: Epidermolysis Bullosa Distrophica Autosomal Recessive (RDEB); EPIDERMOLYSIS BULLOSA DYSTROPHICA, GENERALIZED SEVERE, AUTOSOMAL RECESSIVE; DYSTROPHIC EPIDERMOLYSIS BULLOSA, AUTOSOMAL RECESSIVE; EPIDERMOLYSIS BULLOSA DYSTROPHICA, HALLOPEAU-SIEMENS TYPE; severe generalized recessive dystrophic epidermolysis bullosa; epidermolysis bullosa dystrophica, autosomal recessive. Identifiers: Orphanet 79408, Orphanet 79409, MedGen C0079474, MONDO:0009179, OMIM 226600.

Submission:

Strand Center for Genomics and Personalized Medicine, Strand Life Sciences Pvt Ltd
Classification: Uncertain significance for Recessive dystrophic epidermolysis bullosa. Review status: criteria provided, single submitter. Criteria: Strand Life Sciences Variant classification assertion Criteria. Collection method: clinical testing. Allele origin: germline. Inheritance: Autosomal recessive inheritance. Affected: yes. Observed: 1 variant allele, 1 compound heterozygote.
Comment: The identified novel heterozygous missense substitution (p.Gly1667Glu) alters a conserved residue in the protein. The identified variant lies in the triple helical domain of the protein (1254-2784 aa). Another missense variant, p.Pro1699Leu which lies in the vicinity of the identified variant, and also lies in the triple helical domain, has been reported as 'pathogenic' in the ClinVar database (SCV000034653) with respect to epidermolysis bullosa, pretibial, autosomal recessive. Additionally, variations that typically involve glycine substitutions within the type VII collagen triple helix have been associated with a spectrum of dystrophic epidermolysis bullosa phenotypes [PMID:8644729].

Literature cited by the submitters: PubMed 8644729.